The following is an entry in ClinVar:

NM_001367805.3(KIF23):c.1484_1485inv (p.Pro495Leu)

Gene: KIF23 (kinesin family member 23; plus strand). Cytogenetic location: 15q23.
Variant type: Inversion.
Coding change: c.1484_1485inv on transcript NM_001367805.3 (MANE Select).
Protein change: p.Pro495Leu; replaces proline 495 with leucine.
Molecular consequence: missense variant. On other transcripts: non-coding transcript variant (2).
Genome position: GRCh38 VCF-style: chr15-69436609-CA-TG. GRCh37 (hg19) VCF-style: chr15-69728948-CA-TG.
Other names: c.1112_1113inv, p.Pro371Leu (NM_001281301.2); c.1442_1443inv, p.Pro481Leu (NM_001367804.2, NM_004856.7, NM_138555.4); short protein forms P371L, P495L, P481L.
Identifiers: ClinVar variation 2897898 (VCV002897898.3), ClinGen allele CA2739269538.

ClinVar aggregate classification (germline): Uncertain significance (1 of 4 stars; one submission).

Submission:

Labcorp Genetics (formerly Invitae), Labcorp
Classification: Uncertain significance. Last evaluated: 2024-08-31. Review status: criteria provided, single submitter. Criteria: Invitae Variant Classification Sherloc (09022015). Collection method: clinical testing. Allele origin: germline.
Comment: This sequence change replaces proline, which is neutral and non-polar, with leucine, which is neutral and non-polar, at codon 481 of the KIF23 protein (p.Pro481Leu). The frequency data for this variant in the population databases is considered unreliable, as metrics indicate poor data quality at this position in the gnomAD database. This variant has not been reported in the literature in individuals affected with KIF23-related conditions. An algorithm developed to predict the effect of missense changes on protein structure and function (PolyPhen-2) suggests that this variant is likely to be disruptive. In summary, the available evidence is currently insufficient to determine the role of this variant in disease. Therefore, it has been classified as a Variant of Uncertain Significance.